The following is an entry in ClinVar:

NM_000083.3(CLCN1):c.693A>C (p.Lys231Asn)

Gene: CLCN1 (chloride voltage-gated channel 1; plus strand). Cytogenetic location: 7q34.
Variant type: single nucleotide variant.
Coding change: c.693A>C on transcript NM_000083.3 (MANE Select); coding-DNA position 693, A replaced by C.
Protein change: p.Lys231Asn; replaces lysine 231 with asparagine.
Molecular consequence: missense variant. On other transcripts: non-coding transcript variant (1).
Genome position (GRCh38, 1-based): chr7:143,321,845, A>C. VCF-style: chr7-143321845-A-C. GRCh37 (hg19) VCF-style: chr7-143018938-A-C.
Other names: short protein forms K231N.
Identifiers: ClinVar variation 2922385 (VCV002922385.3), dbSNP rs2487034267, ClinGen allele CA369686033.

ClinVar aggregate classification (germline): Likely pathogenic (1 of 4 stars; one submission).

Conditions:
Congenital myotonia, autosomal dominant form (THD). Also called: THOMSEN DISEASE; Myotonia congenita autosomal dominant. Identifiers: Orphanet 614, MedGen C2936781, MONDO:0008055, OMIM 160800.
Congenital myotonia, autosomal recessive form. Also called: BECKER DISEASE; Becker Generalized Myotonia; myotonia congenita, autosomal recessive. Identifiers: Orphanet 614, MedGen C0751360, MONDO:0009715, OMIM 255700.

Submission:

Labcorp Genetics (formerly Invitae), Labcorp
Classification: Likely pathogenic for Congenital myotonia, autosomal recessive form; Congenital myotonia, autosomal dominant form. Last evaluated: 2024-01-22. Review status: criteria provided, single submitter. Criteria: Invitae Variant Classification Sherloc (09022015). Collection method: clinical testing. Allele origin: germline.
Comment: This sequence change replaces lysine, which is basic and polar, with asparagine, which is neutral and polar, at codon 231 of the CLCN1 protein (p.Lys231Asn). This variant is not present in population databases (gnomAD no frequency). This variant has not been reported in the literature in individuals affected with CLCN1-related conditions. Advanced modeling of protein sequence and biophysical properties (such as structural, functional, and spatial information, amino acid conservation, physicochemical variation, residue mobility, and thermodynamic stability) performed at Invitae indicates that this missense variant is expected to disrupt CLCN1 protein function with a positive predictive value of 95%. This variant disrupts the p.Lys231 amino acid residue in CLCN1. Other variant(s) that disrupt this residue have been determined to be pathogenic (Invitae). This suggests that this residue is clinically significant, and that variants that disrupt this residue are likely to be disease-causing. In summary, the currently available evidence indicates that the variant is pathogenic, but additional data are needed to prove that conclusively. Therefore, this variant has been classified as Likely Pathogenic.